The following is an entry in ClinVar:

NM_018136.5(ASPM):c.2174-201G>A

Gene: ASPM (assembly factor for spindle microtubules; minus strand). Cytogenetic location: 1q31.3.
Variant type: single nucleotide variant.
Coding change: c.2174-201G>A on transcript NM_018136.5 (MANE Select); 201 bases into the intron before coding-DNA position 2174, G replaced by A.
Molecular consequence: intron variant.
Genome position (GRCh38, 1-based): chr1:197,133,796, C>T on the plus strand (G>A on the coding strand, the complement: ASPM is on the minus strand). VCF-style: chr1-197133796-C-T. GRCh37 (hg19) VCF-style: chr1-197102926-C-T.
Other names: c.2174-201G>A (NM_001206846.2).
Identifiers: ClinVar variation 678190 (VCV000678190.1), dbSNP rs41310911, ClinGen allele CA10821241.
Genomic context (GRCh38, chr1:197,133,796, plus strand): 5'-TATCATCGCAACCTGTTAGCTCTACCTGCAAAATGTATTCCAAGTCTAGCCACTTTTCAC[C>T]GCCTCTACTATCACAAATTCAAACATGATTATCTCTAATCCGGACTAATGAATTAACTTC-3'

ClinVar aggregate classification (germline): Benign (1 of 4 stars; one submission).

Allele frequency attached by ClinVar (database versions not stated): 1000 Genomes Project 30x 0.21174; 1000 Genomes Project 0.21446; TOPMed 0.28558; gnomAD 0.30386 and 0.30395.

Submission:

GeneDx
Classification: Benign. Last evaluated: 2018-06-14. Review status: criteria provided, single submitter. Criteria: GeneDx Variant Classification (06012015). Collection method: clinical testing. Allele origin: germline. Affected: yes.
Comment: This variant is considered likely benign or benign based on one or more of the following criteria: it is a conservative change, it occurs at a poorly conserved position in the protein, it is predicted to be benign by multiple in silico algorithms, and/or has population frequency not consistent with disease.